The following is an entry in ClinVar:

ClinVar aggregate classification (germline): Likely benign (1 of 4 stars; one submission).

Submission:

CeGaT Center for Human Genetics Tuebingen
Classification: Likely benign. Last evaluated: 2025-03-01. Review status: criteria provided, single submitter. Criteria: CeGaT Center For Human Genetics Tuebingen Variant Classification Criteria Version 2. Collection method: clinical testing. Allele origin: germline. Affected: yes. Observed: 1 variant allele.
Comment: SCN9A: PM2:Supporting, BP4, BP7

NM_001365536.1(SCN9A):c.981G>C (p.Gly327=)

Genes: SCN1A-AS1 (SCN1A and SCN9A antisense RNA 1; plus strand), SCN9A (sodium voltage-gated channel alpha subunit 9; minus strand). Cytogenetic location: 2q24.3.
Variant type: single nucleotide variant.
Coding change: c.981G>C on transcript NM_001365536.1 (MANE Select); coding-DNA position 981, G replaced by C.
Protein change: p.Gly327=; no amino-acid change (glycine 327 retained).
Molecular consequence: synonymous variant.
Genome position (GRCh38, 1-based): chr2:166,293,357, C>G on the plus strand (G>C on the coding strand, the complement: SCN9A is on the minus strand). VCF-style: chr2-166293357-C-G. GRCh37 (hg19) VCF-style: chr2-167149867-C-G.
Other names: c.981G>C, p.Gly327= (NM_002977.4).
Identifiers: ClinVar variation 3778422 (VCV003778422.7).
Genomic context (GRCh38, chr2:166,293,357, plus strand): 5'-GAAAGTGTCAAAGCTCGTGTAGCCATAATCAGGGTTTCTGCCAATTTTCACACAGGTGTA[C>G]CCCTCTGGACACTGACTACACACGAGAAAGAACATTATAGGTGAGAGTGTCTTCAGGACA-3'
Protein context (NP_001352465.1, residues 317-337): FSTDSGQCPE[Gly327=]YTCVKIGRNP